The following is an entry in ClinVar:

NM_000052.7(ATP7A):c.3002C>T (p.Pro1001Leu)

Gene: ATP7A (ATPase copper transporting alpha; plus strand). Cytogenetic location: Xq21.1.
Variant type: single nucleotide variant.
Coding change: c.3002C>T on transcript NM_000052.7 (MANE Select); coding-DNA position 3002, C replaced by T.
Protein change: p.Pro1001Leu; replaces proline 1001 with leucine.
Molecular consequence: missense variant.
Genome position (GRCh38, 1-based): chrX:78,029,335, C>T. VCF-style: chrX-78029335-C-T. GRCh37 (hg19) VCF-style: chrX-77284832-C-T.
Other names: c.2768C>T, p.Pro923Leu (NM_001282224.2); short protein forms P1001L, P923L.
Identifiers: ClinVar variation 210439 (VCV000210439.16), dbSNP rs797045365, ClinGen allele CA277255.
Genomic context (GRCh38, chrX:78,029,335, plus strand): 5'-CAGAAACGATAATACGATTTGCTTTCCAAGCCTCTATCACAGTTCTGTGTATTGCATGTC[C>T]CTGTTCACTGGGACTGGCCACTCCAACTGCTGTGATGGTGGGTACAGGAGTAGGTGCTCA-3'
Protein context (NP_000043.4, residues 991-1011): ASITVLCIAC[Pro1001Leu]CSLGLATPTA

ClinVar aggregate classification (germline): Likely pathogenic. Review status: criteria provided, multiple submitters, no conflicts (2 of 4 stars). 3 submissions from 3 submitters: Likely pathogenic (2). 1 of the submissions does not count toward it. Last evaluated 2023-03-10.

Conditions:
Menkes kinky-hair syndrome (MNK). Also called: Menkes Disease; Copper transport disease; Classic Menkes Disease. Identifiers: Orphanet 565, MedGen C0022716, MONDO:0010651, OMIM 309400.
Cutis laxa, X-linked (OHS). Also called: EDS IX; Occipital horn syndrome. Identifiers: Orphanet 198, MedGen C0268353, MONDO:0010572, OMIM 304150.
X-linked distal spinal muscular atrophy type 3. Also called: SPINAL MUSCULAR ATROPHY, DISTAL, X-LINKED RECESSIVE; NEURONOPATHY, DISTAL HEREDITARY MOTOR, X-LINKED; NEUROPATHY, DISTAL HEREDITARY MOTOR, X-LINKED; ATP7A-Related Distal Motor Neuropathy. Identifiers: Orphanet 139557, MedGen C1845359, MONDO:0010338, OMIM 300489.

Submissions (3):

Labcorp Genetics (formerly Invitae), Labcorp
Classification: Likely pathogenic for X-linked distal spinal muscular atrophy type 3; Cutis laxa, X-linked; Menkes kinky-hair syndrome. Last evaluated: 2023-03-10. Review status: criteria provided, single submitter. Criteria: Invitae Variant Classification Sherloc (09022015). Collection method: clinical testing. Allele origin: germline.
Comment: This sequence change replaces proline, which is neutral and non-polar, with leucine, which is neutral and non-polar, at codon 1001 of the ATP7A protein (p.Pro1001Leu). This variant is not present in population databases (gnomAD no frequency). This missense change has been observed in individuals with Menkes disease (PMID: 20799318; Invitae). ClinVar contains an entry for this variant (Variation ID: 210439). Advanced modeling of protein sequence and biophysical properties (such as structural, functional, and spatial information, amino acid conservation, physicochemical variation, residue mobility, and thermodynamic stability) performed at Invitae indicates that this missense variant is expected to disrupt ATP7A protein function. In summary, the currently available evidence indicates that the variant is pathogenic, but additional data are needed to prove that conclusively. Therefore, this variant has been classified as Likely Pathogenic.

Genetic Services Laboratory, University of Chicago
Classification: Likely pathogenic for Menkes disease. Last evaluated: 2013-02-08. Review status: criteria provided, single submitter. Criteria: ACMG Guidelines, 2007. Collection method: clinical testing. Allele origin: germline. Affected: yes.

Inherited Neuropathy Consortium Ii, University Of Miami
Classification: Uncertain significance for Menkes kinky-hair syndrome. Last evaluated: 2016-01-06. Review status: no assertion criteria provided. Collection method: literature only. Allele origin: germline. Affected: yes. Not counted in ClinVar's aggregate classification.

Literature cited by the submitters: PubMed 20799318 (cited by Labcorp Genetics (formerly Invitae), Labcorp); PubMed 19194885 (cited by Inherited Neuropathy Consortium Ii, University Of Miami).